The following is an entry in ClinVar:

ClinVar aggregate classification (germline): Uncertain significance. Review status: criteria provided, multiple submitters, no conflicts (2 of 4 stars). 2 submissions from 2 submitters: Uncertain significance (2). Last evaluated 2025-12-27.

Conditions:
Hereditary cancer-predisposing syndrome. Also called: Tumor predisposition; Neoplastic Syndromes, Hereditary; Hereditary neoplastic syndrome; Hereditary Cancer Syndrome. Identifiers: Orphanet 140162, MedGen C0027672, MeSH D009386, MONDO:0015356.

Submissions (2):

Labcorp Genetics (formerly Invitae), Labcorp
Classification: Uncertain significance. Last evaluated: 2025-12-27. Review status: criteria provided, single submitter. Criteria: Invitae Variant Classification Sherloc (09022015). Collection method: clinical testing. Allele origin: germline.
Comment: This sequence change replaces aspartic acid, which is acidic and polar, with histidine, which is basic and polar, at codon 22 of the SMARCB1 protein (p.Asp22His). This variant is not present in population databases (gnomAD no frequency). This variant has not been reported in the literature in individuals affected with SMARCB1-related conditions. ClinVar contains an entry for this variant (Variation ID: 3446064). An algorithm developed to predict the effect of missense changes on protein structure and function (PolyPhen-2) suggests that this variant is likely to be disruptive. In summary, the available evidence is currently insufficient to determine the role of this variant in disease. Therefore, it has been classified as a Variant of Uncertain Significance.

Ambry Genetics
Classification: Uncertain significance for Hereditary cancer-predisposing syndrome. Last evaluated: 2024-08-17. Review status: criteria provided, single submitter. Criteria: Ambry Variant Classification Scheme 2023. Collection method: clinical testing. Allele origin: germline.
Comment: The p.D22H variant (also known as c.64G>C), located in coding exon 1 of the SMARCB1 gene, results from a G to C substitution at nucleotide position 64. The aspartic acid at codon 22 is replaced by histidine, an amino acid with similar properties. This amino acid position is conserved. In addition, the in silico prediction for this alteration is inconclusive. Based on the available evidence, the clinical significance of this variant remains unclear.

NM_003073.5(SMARCB1):c.64G>C (p.Asp22His)

Gene: SMARCB1 (SWI/SNF related BAF chromatin remodeling complex subunit B1; plus strand). Cytogenetic location: 22q11.23.
Variant type: single nucleotide variant.
Coding change: c.64G>C on transcript NM_003073.5 (MANE Select); coding-DNA position 64, G replaced by C.
Protein change: p.Asp22His; replaces aspartic acid 22 with histidine.
Molecular consequence: missense variant.
Genome position (GRCh38, 1-based): chr22:23,787,233, G>C. VCF-style: chr22-23787233-G-C. GRCh37 (hg19) VCF-style: chr22-24129420-G-C.
Other names: c.64G>C, p.Asp22His (NM_001007468.3, NM_001317946.2, NM_001362877.2); short protein forms D22H.
Identifiers: ClinVar variation 3446064 (VCV003446064.2).
Genomic context (GRCh38, chr22:23,787,233, plus strand): 5'-ATGATGATGGCGCTGAGCAAGACCTTCGGGCAGAAGCCCGTGAAGTTCCAGCTGGAGGAC[G>C]ACGGCGAGTTCTACATGATCGGCTCCGAGGTAGCCCGGGGCGCGTTCTCGCCCTCCCCGG-3'
Protein context (NP_003064.2, residues 12-32): QKPVKFQLED[Asp22His]GEFYMIGSEV